The following is an entry in ClinVar:

NM_004380.3(CREBBP):c.6780del (p.Met2261fs)

Gene: CREBBP (CREB binding protein; minus strand). Cytogenetic location: 16p13.3.
Variant type: Deletion.
Coding change: c.6780del on transcript NM_004380.3 (MANE Select); coding-DNA position 6780, one base deleted (C; older notation c.6780delC).
Protein change: p.Met2261fs; shifts the reading frame from methionine 2261.
Molecular consequence: frameshift variant.
Genome position (GRCh38, 1-based): chr16:3,728,267, G deleted on the plus strand (C on the coding strand, the reverse complement: CREBBP is on the minus strand); the first of 2 consecutive G bases (chr16:3,728,267-3,728,268); deleting either gives the same sequence. VCF-style (leftmost placement, unchanged base first): chr16-3728266-TG-T. GRCh37 (hg19) VCF-style: chr16-3778267-TG-T.
Other names: c.6666del, p.Met2223fs (NM_001079846.1); short protein forms M2223fs, M2261fs.
Identifiers: ClinVar variation 3364091 (VCV003364091.1).

ClinVar aggregate classification (germline): Uncertain significance (1 of 4 stars; one submission).

Submission:

GeneDx
Classification: Uncertain significance. Last evaluated: 2023-11-10. Review status: criteria provided, single submitter. Criteria: GeneDx Variant Classification Process June 2021. Collection method: clinical testing. Allele origin: germline. Affected: yes.
Comment: Frameshift variant predicted to result in abnormal protein length as the last 182 amino acids are replaced with 40 different amino acids, and other similar variants have been reported in HGMD; Not observed at significant frequency in large population cohorts (gnomAD); Has not been previously published as pathogenic or benign to our knowledge